The following is an entry in ClinVar:

NM_001130438.3(SPTAN1):c.6067C>G (p.Gln2023Glu)

Gene: SPTAN1 (spectrin alpha, non-erythrocytic 1; plus strand). Cytogenetic location: 9q34.11.
Variant type: single nucleotide variant.
Coding change: c.6067C>G on transcript NM_001130438.3 (MANE Select); coding-DNA position 6067, C replaced by G.
Protein change: p.Gln2023Glu; replaces glutamine 2023 with glutamic acid.
Molecular consequence: missense variant.
Genome position (GRCh38, 1-based): chr9:128,625,177, C>G. VCF-style: chr9-128625177-C-G. GRCh37 (hg19) VCF-style: chr9-131387456-C-G.
Other names: c.5992C>G, p.Gln1998Glu (NM_001195532.2); c.6067C>G, p.Gln2023Glu (NM_001363759.2, NM_001375310.1, NM_001375311.2 and 1 more transcripts); c.6007C>G, p.Gln2003Glu (NM_001363765.2, NM_001375314.2); c.6103C>G, p.Gln2035Glu (NM_001375312.2, NM_001375318.1); c.6052C>G, p.Gln2018Glu (NM_003127.4); short protein forms Q2023E, Q2003E, Q2035E, Q2018E, Q1998E.
Identifiers: ClinVar variation 2088803 (VCV002088803.4), dbSNP rs1858541469, ClinGen allele CA375085384.
Genomic context (GRCh38, chr9:128,625,177, plus strand): 5'-AGCTTGAAGACAGATGATTATGGCCGAGACCTGTCTTCTGTGCAGACGCTCCTCACCAAA[C>G]AGGTCTGCCCTGGCCCCTTCACTGGTTGAAATGTATGCAGATAGCATCTGTGAGATGACT-3'
Protein context (NP_001123910.1, residues 2013-2033): LSSVQTLLTK[Gln2023Glu]ETFDAGLQAF

ClinVar aggregate classification (germline): Uncertain significance (1 of 4 stars; one submission).

Conditions:
Early-infantile DEE. Also called: Ohtahara syndrome; Early infantile epileptic encephalopathy with suppression bursts; Early infantile epileptic encephalopathy. Identifiers: Orphanet 1934, MedGen C0393706, MONDO:0800491.

Allele frequency attached by ClinVar (database versions not stated): TOPMed below 0.00001.

Submission:

Labcorp Genetics (formerly Invitae), Labcorp
Classification: Uncertain significance for Early-infantile DEE. Last evaluated: 2023-04-06. Review status: criteria provided, single submitter. Criteria: Invitae Variant Classification Sherloc (09022015). Collection method: clinical testing. Allele origin: germline.
Comment: This sequence change replaces glutamine, which is neutral and polar, with glutamic acid, which is acidic and polar, at codon 2023 of the SPTAN1 protein (p.Gln2023Glu). This variant is not present in population databases (gnomAD no frequency). This variant has not been reported in the literature in individuals affected with SPTAN1-related conditions. ClinVar contains an entry for this variant (Variation ID: 2088803). An algorithm developed to predict the effect of missense changes on protein structure and function (PolyPhen-2) suggests that this variant is likely to be disruptive. Algorithms developed to predict the effect of sequence changes on RNA splicing suggest that this variant may create or strengthen a splice site. In summary, the available evidence is currently insufficient to determine the role of this variant in disease. Therefore, it has been classified as a Variant of Uncertain Significance.